The following is an entry in ClinVar:

ClinVar aggregate classification (germline): Conflicting classifications of pathogenicity. Review status: criteria provided, conflicting classifications (1 of 4 stars). 4 submissions from 4 submitters: Uncertain significance (2); Likely benign (1). 1 of the submissions does not count toward it. Last evaluated 2024-04-24.

Conditions:
Hereditary breast ovarian cancer syndrome. Also called: Hereditary breast and ovarian cancer syndrome; Hereditary breast and ovarian cancer; Hereditary breast and ovarian cancer syndrome (HBOC); Breast and ovarian cancer; Hereditary breast and/or ovarian cancer syndrome; BRCA1- and BRCA2-Associated Hereditary Breast and Ovarian Cancer. Identifiers: Orphanet 145, MedGen C0677776, MeSH D061325, MONDO:0003582. Disease mechanism: loss of function.
Hereditary cancer-predisposing syndrome. Also called: Neoplastic Syndromes, Hereditary; Tumor predisposition; Hereditary neoplastic syndrome; Hereditary Cancer Syndrome. Identifiers: Orphanet 140162, MedGen C0027672, MeSH D009386, MONDO:0015356.
Breast-ovarian cancer, familial, susceptibility to, 2 (BROVCA2). Also called: BRCA2 Hereditary Breast and Ovarian Cancer. Identifiers: Orphanet 145, MedGen C2675520, MONDO:0012933, OMIM 612555. Disease mechanism: loss of function.

Allele frequency attached by ClinVar (database versions not stated): TOPMed below 0.00001.

Submissions (4):

Ambry Genetics
Classification: Uncertain significance for Hereditary cancer-predisposing syndrome. Last evaluated: 2024-04-24. Review status: criteria provided, single submitter. Criteria: Ambry Variant Classification Scheme 2023. Collection method: clinical testing. Allele origin: germline.
Comment: The p.I1889F variant (also known as c.5665A>T), located in coding exon 10 of the BRCA2 gene, results from an A to T substitution at nucleotide position 5665. The isoleucine at codon 1889 is replaced by phenylalanine, an amino acid with highly similar properties. This amino acid position is conserved. In addition, this alteration is predicted to be tolerated by in silico analysis. Based on the available evidence, the clinical significance of this variant remains unclear.

University of Washington Department of Laboratory Medicine, University of Washington
Classification: Likely benign for Hereditary cancer-predisposing syndrome. Last evaluated: 2023-03-23. Review status: criteria provided, single submitter. Criteria: Dines et al. (Genet Med. 2020). Collection method: curation. Allele origin: germline.
Comment: Missense variant in a coldspot region where missense variants are very unlikely to be pathogenic (PMID:31911673).

BRCA2 exon 11 coldspot. Reclassification based on statistical prior probability.

Labcorp Genetics (formerly Invitae), Labcorp
Classification: Uncertain significance for Hereditary breast ovarian cancer syndrome. Last evaluated: 2022-02-10. Review status: criteria provided, single submitter. Criteria: Invitae Variant Classification Sherloc (09022015). Collection method: clinical testing. Allele origin: germline.
Comment: Advanced modeling of protein sequence and biophysical properties (such as structural, functional, and spatial information, amino acid conservation, physicochemical variation, residue mobility, and thermodynamic stability) performed at Invitae indicates that this missense variant is not expected to disrupt BRCA2 protein function. ClinVar contains an entry for this variant (Variation ID: 51904). This variant has not been reported in the literature in individuals affected with BRCA2-related conditions. This variant is not present in population databases (gnomAD no frequency). This sequence change replaces isoleucine, which is neutral and non-polar, with phenylalanine, which is neutral and non-polar, at codon 1889 of the BRCA2 protein (p.Ile1889Phe). In summary, the available evidence is currently insufficient to determine the role of this variant in disease. Therefore, it has been classified as a Variant of Uncertain Significance.

Breast Cancer Information Core (BIC) (BRCA2)
Classification: Uncertain significance for Breast-ovarian cancer, familial 2. Last evaluated: 2002-05-29. Review status: no assertion criteria provided. Collection method: clinical testing. Allele origin: germline. Affected: yes. Observed: 1 variant allele. Not counted in ClinVar's aggregate classification.

NM_000059.4(BRCA2):c.5665A>T (p.Ile1889Phe)

Gene: BRCA2 (BRCA2 DNA repair associated; plus strand). Cytogenetic location: 13q13.1.
Variant type: single nucleotide variant.
Coding change: c.5665A>T on transcript NM_000059.4 (MANE Select); coding-DNA position 5665, A replaced by T.
Protein change: p.Ile1889Phe; replaces isoleucine 1889 with phenylalanine.
Molecular consequence: missense variant.
Genome position (GRCh38, 1-based): chr13:32,340,020, A>T. VCF-style: chr13-32340020-A-T. GRCh37 (hg19) VCF-style: chr13-32914157-A-T.
Other names: short protein forms I1889F.
Identifiers: ClinVar variation 51904 (VCV000051904.13), dbSNP rs80358792, ClinGen allele CA022901.